The following is an entry in ClinVar:

NM_015629.4(PRPF31):c.825C>A (p.Tyr275Ter)

Gene: PRPF31 (pre-mRNA processing factor 31; plus strand). Cytogenetic location: 19q13.42.
Variant type: single nucleotide variant.
Coding change: c.825C>A on transcript NM_015629.4 (MANE Select); coding-DNA position 825, C replaced by A.
Protein change: p.Tyr275Ter; replaces tyrosine 275 with a stop codon.
Molecular consequence: nonsense.
Genome position (GRCh38, 1-based): chr19:54,124,626, C>A. VCF-style: chr19-54124626-C-A. GRCh37 (hg19) VCF-style: chr19-54628005-C-A.
Other names: short protein forms Y275*.
Identifiers: ClinVar variation 2071418 (VCV002071418.4), dbSNP rs2516158518, ClinGen allele CA407751398.

ClinVar aggregate classification (germline): Pathogenic (1 of 4 stars; one submission).

Submission:

Labcorp Genetics (formerly Invitae), Labcorp
Classification: Pathogenic. Last evaluated: 2022-01-03. Review status: criteria provided, single submitter. Criteria: Invitae Variant Classification Sherloc (09022015). Collection method: clinical testing. Allele origin: germline.
Comment: For these reasons, this variant has been classified as Pathogenic. This premature translational stop signal has been observed in individual(s) with retinitis pigmentosa (PMID: 24202059). It has also been observed to segregate with disease in related individuals. This variant is not present in population databases (gnomAD no frequency). This sequence change creates a premature translational stop signal (p.Tyr275*) in the PRPF31 gene. It is expected to result in an absent or disrupted protein product. Loss-of-function variants in PRPF31 are known to be pathogenic (PMID: 18317597, 23950152).

Literature cited by the submitters: PubMed 24202059; PubMed 18317597; PubMed 23950152.